The following is an entry in ClinVar:

ClinVar aggregate classification (germline): Conflicting classifications of pathogenicity. Review status: criteria provided, conflicting classifications (1 of 4 stars). 3 submissions from 3 submitters: Uncertain significance (2); Likely benign (1). Last evaluated 2025-02-19.

Conditions:
Generalized epilepsy-paroxysmal dyskinesia syndrome (PNKD3). Also called: Paroxysmal nonkinesigenic dyskinesia, 3, with or without generalized epilepsy; Generalized epilepsy and paroxysmal dyskinesia. Identifiers: Orphanet 79137, MedGen C5574945, MONDO:0012276, OMIM 609446.
Liang-Wang syndrome. Identifiers: Orphanet 664438, MedGen C5231479, MONDO:0032886, OMIM 618729.
Cerebellar atrophy, developmental delay, and seizures. Identifiers: MedGen C4539985, MONDO:0060551, OMIM 617643.

Allele frequency attached by ClinVar (database versions not stated): gnomAD 0.00001; gnomAD exomes 0.00001; ExAC 0.00002; TOPMed 0.00002; 1000 Genomes Project 30x 0.00016; 1000 Genomes Project 0.00020.
gnomAD v4.1: 4 of 1,613,114 alleles (0.00025%); highest among the groups gnomAD compares: Admixed American, 0.0067%; no homozygotes.

Submissions (3):

Labcorp Genetics (formerly Invitae), Labcorp
Classification: Uncertain significance for Generalized epilepsy-paroxysmal dyskinesia syndrome. Last evaluated: 2025-02-19. Review status: criteria provided, single submitter. Criteria: Invitae Variant Classification Sherloc (09022015). Collection method: clinical testing. Allele origin: germline.
Comment: This sequence change falls in intron 24 of the KCNMA1 gene. It does not directly change the encoded amino acid sequence of the KCNMA1 protein. It affects a nucleotide within the consensus splice site. This variant is present in population databases (rs558650814, gnomAD 0.003%). This variant has not been reported in the literature in individuals affected with KCNMA1-related conditions. ClinVar contains an entry for this variant (Variation ID: 947681). Variants that disrupt the consensus splice site are a relatively common cause of aberrant splicing (PMID: 17576681, 9536098). Algorithms developed to predict the effect of sequence changes on RNA splicing suggest that this variant is not likely to affect RNA splicing. In summary, the available evidence is currently insufficient to determine the role of this variant in disease. Therefore, it has been classified as a Variant of Uncertain Significance.

New York Genome Center
Classification: Uncertain significance for Cerebellar atrophy, developmental delay, and seizures; Liang-Wang syndrome; Generalized epilepsy-paroxysmal dyskinesia syndrome. Last evaluated: 2021-08-27. Review status: criteria provided, single submitter. Criteria: NYGC Assertion Criteria 2020. Collection method: clinical testing. Allele origin: inherited. Observed: 1 heterozygote. Study: CSER-NYCKidSeq.
Comment: The inherited heterozygous c.3147+6T>C splice-region variant identified in intron 25 (of 27) of the KCNMA1 gene has not been reported in affected individuals in the literature. The variant has 0.000006579 allele frequency in the gnomAD(v3) database (1 out of 151994 heterozygous alleles, no homozygotes)suggesting it is not a common benign variant in the populations represented in that database. The variant affects an evolutionarily conserved nucleotide and is predicted by multiple in silico tools to alter the wild-type mRNA splicing (TRAP score = 0.87, SPLICING ADA score = 0.761). Functional studies to evaluate the potential pathogenicity of this variant have not been reported in the literature. Given the lack of compelling evidence for its pathogenicity, the inherited heterozygous c.3147+6T>C splice-region variant identified in KCNMA1 gene is reported as a Variant of Uncertain Significance.

GeneDx
Classification: Likely benign. Last evaluated: 2020-06-11. Review status: criteria provided, single submitter. Criteria: GeneDx Variant Classification Process June 2021. Collection method: clinical testing. Allele origin: germline. Affected: yes.

Literature cited by the submitters: PubMed 17576681 (cited by Labcorp Genetics (formerly Invitae), Labcorp); PubMed 9536098 (cited by Labcorp Genetics (formerly Invitae), Labcorp).

NM_001161352.2(KCNMA1):c.3147+6T>C

Genes: KCNMA1 (potassium calcium-activated channel subfamily M alpha 1; minus strand), KCNMA1-AS1 (KCNMA1 antisense RNA 1; plus strand). Cytogenetic location: 10q22.3.
Variant type: single nucleotide variant.
Coding change: c.3147+6T>C on transcript NM_001161352.2 (MANE Select); 6 bases into the intron after coding-DNA position 3147, T replaced by C.
Molecular consequence: intron variant.
Genome position (GRCh38, 1-based): chr10:76,909,960, A>G on the plus strand (T>C on the coding strand, the complement: KCNMA1 is on the minus strand). VCF-style: chr10-76909960-A-G. GRCh37 (hg19) VCF-style: chr10-78669718-A-G.
Other names: c.2823+6T>C (NM_001271518.2); c.2973+6T>C (NM_001322832.2, NM_002247.4); c.2982+6T>C (NM_001322829.2, NM_001322836.2); c.2985+6T>C (NM_001014797.3); c.3066+6T>C (NM_001322835.2, NM_001322837.2); c.3075+6T>C (NM_001322830.2); c.2520+6T>C (NM_001322838.2); c.3096+6T>C (NM_001161353.2); and 1 more.
Identifiers: ClinVar variation 947681 (VCV000947681.13), dbSNP rs558650814, ClinGen allele CA5567906.
Genomic context (GRCh38, chr10:76,909,960, plus strand): 5'-GGTTGGAGGTGCTCTATTGGCACATCCTCCACCCTTGAGTGAGGAGGAGGGAACAGGATA[A>G]CTCACCGCGCTCATGAGTGAGTCCAGGACACTGACGGCAAATGCTGTCCCACAGGCAAAG-3'